The following is an entry in ClinVar:

ClinVar aggregate classification (germline): Benign. Review status: criteria provided, multiple submitters, no conflicts (2 of 4 stars). 3 submissions from 3 submitters: Benign (3). Last evaluated 2026-07-01.

Conditions:
Retinitis pigmentosa (RP). Identifiers: Orphanet 791, MedGen C0035334, MeSH D012174, MONDO:0019200, OMIM 268000. Inheritance: Autosomal dominant, autosomal recessive and X linked inheritance.

Allele frequency attached by ClinVar (database versions not stated): 1000 Genomes Project 30x 0.00344; 1000 Genomes Project 0.00359.
gnomAD v4.1: 1,300 of 1,614,170 alleles (0.081%); highest among the groups gnomAD compares: South Asian, 1.3%; 28 homozygotes.

Submissions (3):

CeGaT Center for Human Genetics Tuebingen
Classification: Benign. Last evaluated: 2026-07-01. Review status: criteria provided, single submitter. Criteria: CeGaT Center For Human Genetics Tuebingen Variant Classification Criteria Version 2. Collection method: clinical testing. Allele origin: germline. Affected: yes. Observed: 2 variant alleles.
Comment: PCARE: BP4, BS1, BS2

Labcorp Genetics (formerly Invitae), Labcorp
Classification: Benign. Last evaluated: 2026-01-08. Review status: criteria provided, single submitter. Criteria: Invitae Variant Classification Sherloc (09022015). Collection method: clinical testing. Allele origin: germline.

Illumina Laboratory Services, Illumina
Classification: Benign for Retinitis pigmentosa. Last evaluated: 2017-04-27. Review status: criteria provided, single submitter. Criteria: ICSL Variant Classification Criteria 13 December 2019. Collection method: clinical testing. Allele origin: germline.
Comment: This variant was observed as part of a predisposition screen in an ostensibly healthy population. A literature search was performed for the gene, cDNA change, and amino acid change (where applicable). Publications were found based on this search. The evidence from the literature, in combination with allele frequency data from public databases where available, was sufficient to rule this variant out of causing disease. Therefore, this variant is classified as benign.

Literature cited by the submitters: PubMed 20811058 (cited by Illumina Laboratory Services, Illumina).

NM_001029883.3(PCARE):c.1387G>T (p.Val463Phe)

Gene: PCARE (photoreceptor cilium actin regulator; minus strand). Cytogenetic location: 2p23.2.
Variant type: single nucleotide variant.
Coding change: c.1387G>T on transcript NM_001029883.3 (MANE Select); coding-DNA position 1387, G replaced by T.
Protein change: p.Val463Phe; replaces valine 463 with phenylalanine.
Molecular consequence: missense variant.
Genome position (GRCh38, 1-based): chr2:29,072,875, C>A on the plus strand (G>T on the coding strand, the complement: PCARE is on the minus strand). VCF-style: chr2-29072875-C-A. GRCh37 (hg19) VCF-style: chr2-29295741-C-A.
Other names: short protein forms V463F.
Identifiers: ClinVar variation 728217 (VCV000728217.16), dbSNP rs199764925, ClinGen allele CA1592433.
Genomic context (GRCh38, chr2:29,072,875, plus strand): 5'-CACTAAGAGATGAAGCGTCCATCGGCCTGGAGGTTTTGGAAAGGTGTGGTTCCACAGAGA[C>A]CCCAATCCCAAAGGAATCACATGGGGTGCTTGTCCCCAGCTTCAAAGGTGGGGAGGTGAT-3'
Protein context (NP_001025054.1, residues 453-473): STPCDSFGIG[Val463Phe]SVEPHLSKTS